The following is an entry in ClinVar:

NM_153240.5(NPHP3):c.59A>G (p.Tyr20Cys)

Genes: NPHP3 (nephrocystin 3; minus strand), NPHP3-ACAD11 (NPHP3-ACAD11 readthrough (NMD candidate); minus strand), NPHP3-AS1 (NPHP3 antisense RNA 1; plus strand), LOC129937586 (ATAC-STARR-seq lymphoblastoid silent region 14743; plus strand). Cytogenetic location: 3q22.1.
Variant type: single nucleotide variant.
Coding change: c.59A>G on transcript NM_153240.5 (MANE Select); coding-DNA position 59, A replaced by G.
Protein change: p.Tyr20Cys; replaces tyrosine 20 with cysteine.
Molecular consequence: missense variant. On other transcripts: non-coding transcript variant (3).
Genome position (GRCh38, 1-based): chr3:132,722,297, T>C on the plus strand (A>G on the coding strand, the complement: NPHP3 is on the minus strand). VCF-style: chr3-132722297-T-C. GRCh37 (hg19) VCF-style: chr3-132441141-T-C.
Other names: short protein forms Y20C.
Identifiers: ClinVar variation 4984828 (VCV004984828.1).

ClinVar aggregate classification (germline): Uncertain significance (1 of 4 stars; one submission).

Conditions:
NPHP3-related disorder. Also called: NPHP3-related condition; NPHP3-related disorders. Identifiers: MedGen CN379163.

Submission:

PreventionGenetics, part of Exact Sciences
Classification: Uncertain significance for NPHP3-related condition. Last evaluated: 2025-02-15. Review status: criteria provided, single submitter. Criteria: ACMG Guidelines, 2015. Collection method: clinical testing. Allele origin: germline.
Comment: The NPHP3 c.59A>G variant is predicted to result in the amino acid substitution p.Tyr20Cys. To our knowledge, this variant has not been reported in the literature or in a large population database (gnomAD), indicating this variant is rare. At this time, the clinical significance of this variant is uncertain due to the absence of conclusive functional and genetic evidence.